The following is an entry in ClinVar:

NM_001267550.2(TTN):c.43261G>A (p.Glu14421Lys)

Gene: TTN (titin; minus strand). Cytogenetic location: 2q31.2.
Variant type: single nucleotide variant.
Coding change: c.43261G>A on transcript NM_001267550.2 (MANE Select); coding-DNA position 43261, G replaced by A.
Protein change: p.Glu14421Lys; replaces glutamic acid 14421 with lysine.
Molecular consequence: missense variant.
Genome position (GRCh38, 1-based): chr2:178,632,745, C>T on the plus strand (G>A on the coding strand, the complement: TTN is on the minus strand). VCF-style: chr2-178632745-C-T. GRCh37 (hg19) VCF-style: chr2-179497472-C-T.
Other names: c.38338G>A, p.Glu12780Lys (NM_001256850.1); c.16066G>A, p.Glu5356Lys (NM_003319.4); c.35557G>A, p.Glu11853Lys (NM_133378.4); c.16441G>A, p.Glu5481Lys (NM_133432.3); c.16642G>A, p.Glu5548Lys (NM_133437.4); short protein forms E11853K, E12780K, E5481K, E14421K, E5356K, E5548K.
Identifiers: ClinVar variation 1776278 (VCV001776278.2), dbSNP rs748507741, ClinGen allele CA1995903.
Genomic context (GRCh38, chr2:178,632,745, plus strand): 5'-GCCAACGGAATGTTTTGGGCTCCCTGGATACTTCACACTCAAACTTAGCCTCATCTTTCT[C>T]GAAGACTTTAACATCACTGAGAGGTGTGATGAAGATAAGAGGCAATTCTGAAAGAAGTGG-3'
Protein context (NP_001254479.2, residues 14411-14431): ITPLSDVKVF[Glu14421Lys]KDEAKFECEV

ClinVar aggregate classification (germline): Uncertain significance (1 of 4 stars; one submission).

Conditions:
Cardiovascular phenotype. Identifiers: MedGen CN230736.

Allele frequency attached by ClinVar (database versions not stated): TOPMed below 0.00001; gnomAD exomes 0.00002; ExAC 0.00003.
gnomAD v4.1: 26 of 1,613,098 alleles (0.0016%); highest among the groups gnomAD compares: South Asian, 0.012%; no homozygotes.

Submission:

Ambry Genetics
Classification: Uncertain significance for Cardiovascular phenotype. Last evaluated: 2020-01-10. Review status: criteria provided, single submitter. Criteria: Ambry Variant Classification Scheme 2023. Collection method: clinical testing. Allele origin: germline.
Comment: The p.E5356K variant (also known as c.16066G>A), located in coding exon 62 of the TTN gene, results from a G to A substitution at nucleotide position 16066. The glutamic acid at codon 5356 is replaced by lysine, an amino acid with similar properties. This amino acid position is highly conserved in available vertebrate species. In addition, the in silico prediction for this alteration is inconclusive. Since supporting evidence is limited at this time, the clinical significance of this alteration remains unclear.